The following is an entry in ClinVar:

NM_021954.4(GJA3):c.200A>G (p.Asp67Gly)

Gene: GJA3 (gap junction protein alpha 3; minus strand). Cytogenetic location: 13q12.11.
Variant type: single nucleotide variant.
Coding change: c.200A>G on transcript NM_021954.4 (MANE Select); coding-DNA position 200, A replaced by G.
Protein change: p.Asp67Gly; replaces aspartic acid 67 with glycine.
Molecular consequence: missense variant.
Genome position (GRCh38, 1-based): chr13:20,143,089, T>C on the plus strand (A>G on the coding strand, the complement: GJA3 is on the minus strand). VCF-style: chr13-20143089-T-C. GRCh37 (hg19) VCF-style: chr13-20717228-T-C.
Other names: short protein forms D67G.
Identifiers: ClinVar variation 3253686 (VCV003253686.1), dbSNP rs2500173720.

ClinVar aggregate classification (germline): Uncertain significance (1 of 4 stars; one submission).

Conditions:
Cataract 14 multiple types. Also called: CATARACT 14, ZONULAR PULVERULENT; CATARACT 14, NUCLEAR PULVERULENT; CATARACT 14, NUCLEAR PULVERULENT AND POSTERIOR POLAR; CATARACT 14, NUCLEAR CORALLIFORM; CATARACT 14, EMBRYONAL NUCLEAR; CATARACT 14, COPPOCK-LIKE. Identifiers: Orphanet 91492, MedGen C1866078, MONDO:0011162, OMIM 601885.

Submission:

Dept. Genetics and Cancer, Menzies Institute for Medical Research, University of Tasmania
Classification: Uncertain significance for Cataract 14 multiple types. Last evaluated: 2023-01-21. Review status: criteria provided, single submitter. Criteria: ACMG Guidelines, 2015. Collection method: curation. Allele origin: germline. Affected: yes.
Comment: Variant identified and curated during a GJA3 specific review of the literature in relation to pediatric or congenital cataract. ACMG-AMP criteria applied: PM1, PM2(Supporting), PP3. Original variant report: PMID:34014271. The cataract phenotype reported for this variant is: Pulverulent nuclear. Gene review and curation guidelines are outlined in: DOI 10.1080/17469899.2023.2160320

Literature cited by the submitters: PubMed 34014271.